The following is an entry in ClinVar:

NM_000726.5(CACNB4):c.1514A>G (p.Asn505Ser)

Gene: CACNB4 (calcium voltage-gated channel auxiliary subunit beta 4; minus strand). Cytogenetic location: 2q23.3.
Variant type: single nucleotide variant.
Coding change: c.1514A>G on transcript NM_000726.5 (MANE Select); coding-DNA position 1514, A replaced by G.
Protein change: p.Asn505Ser; replaces asparagine 505 with serine.
Molecular consequence: missense variant.
Genome position (GRCh38, 1-based): chr2:151,839,168, T>C on the plus strand (A>G on the coding strand, the complement: CACNB4 is on the minus strand). VCF-style: chr2-151839168-T-C. GRCh37 (hg19) VCF-style: chr2-152695682-T-C.
Other names: c.1460A>G, p.Asn487Ser (NM_001005746.4); c.1412A>G, p.Asn471Ser (NM_001005747.4); c.1328A>G, p.Asn443Ser (NM_001145798.3); c.1373A>G, p.Asn458Ser (NM_001320722.3, NM_001330118.2); c.1271A>G, p.Asn424Ser (NM_001330113.2); c.860A>G, p.Asn287Ser (NM_001330114.2); c.1223A>G, p.Asn408Ser (NM_001330115.2); c.1184A>G, p.Asn395Ser (NM_001330116.2); and 1 more; short protein forms N443S, N505S, N424S, N287S, N395S, N408S, N458S, N471S.
Identifiers: ClinVar variation 963215 (VCV000963215.9), dbSNP rs2099835534, ClinGen allele CA348810542.

ClinVar aggregate classification (germline): Uncertain significance (1 of 4 stars; one submission).

Conditions:
Idiopathic generalized epilepsy. Also called: Generalised epilepsy; EIG. Identifiers: MedGen C0270850, MONDO:0005579, OMIM 600669.

Allele frequency attached by ClinVar (database versions not stated): gnomAD exomes below 0.00001.
gnomAD v4.1: 1 of 1,613,496 alleles (0.000062%); highest among the groups gnomAD compares: South Asian, 0.0011%; no homozygotes.

Submission:

Labcorp Genetics (formerly Invitae), Labcorp
Classification: Uncertain significance for Idiopathic generalized epilepsy. Last evaluated: 2019-07-11. Review status: criteria provided, single submitter. Criteria: Invitae Variant Classification Sherloc (09022015). Collection method: clinical testing. Allele origin: germline.
Comment: In summary, the available evidence is currently insufficient to determine the role of this variant in disease. Therefore, it has been classified as a Variant of Uncertain Significance. Algorithms developed to predict the effect of missense changes on protein structure and function are either unavailable or do not agree on the potential impact of this missense change (SIFT: "Deleterious"; PolyPhen-2: "Benign"; Align-GVGD: "Class C0"). This variant has not been reported in the literature in individuals with CACNB4-related conditions. This variant is not present in population databases (ExAC no frequency). This sequence change replaces asparagine with serine at codon 505 of the CACNB4 protein (p.Asn505Ser). The asparagine residue is moderately conserved and there is a small physicochemical difference between asparagine and serine.